The following is an entry in ClinVar:

ClinVar aggregate classification (germline): Uncertain significance (1 of 4 stars; one submission).

Conditions:
Early-infantile DEE. Also called: Early infantile epileptic encephalopathy; Early infantile epileptic encephalopathy with suppression bursts; Ohtahara syndrome. Identifiers: Orphanet 1934, MedGen C0393706, MONDO:0800491.

Submission:

Labcorp Genetics (formerly Invitae), Labcorp
Classification: Uncertain significance for Early-infantile DEE. Last evaluated: 2022-03-01. Review status: criteria provided, single submitter. Criteria: Invitae Variant Classification Sherloc (09022015). Collection method: clinical testing. Allele origin: germline.
Comment: This sequence change replaces isoleucine, which is neutral and non-polar, with asparagine, which is neutral and polar, at codon 304 of the GNAO1 protein (p.Ile304Asn). In summary, the available evidence is currently insufficient to determine the role of this variant in disease. Therefore, it has been classified as a Variant of Uncertain Significance. Advanced modeling of protein sequence and biophysical properties (such as structural, functional, and spatial information, amino acid conservation, physicochemical variation, residue mobility, and thermodynamic stability) performed at Invitae indicates that this missense variant is expected to disrupt GNAO1 protein function. This variant has not been reported in the literature in individuals affected with GNAO1-related conditions. This variant is not present in population databases (gnomAD no frequency).

NM_020988.3(GNAO1):c.911T>A (p.Ile304Asn)

Gene: GNAO1 (G protein subunit alpha o1; plus strand). Cytogenetic location: 16q13.
Variant type: single nucleotide variant.
Coding change: c.911T>A on transcript NM_020988.3 (MANE Select); coding-DNA position 911, T replaced by A.
Protein change: p.Ile304Asn; replaces isoleucine 304 with asparagine.
Molecular consequence: missense variant.
Genome position (GRCh38, 1-based): chr16:56,354,899, T>A. VCF-style: chr16-56354899-T-A. GRCh37 (hg19) VCF-style: chr16-56388811-T-A.
Other names: short protein forms I304N.
Identifiers: ClinVar variation 2103719 (VCV002103719.4), dbSNP rs2543431952, ClinGen allele CA395955024.